The following is an entry in ClinVar:

ClinVar aggregate classification (germline): Benign/Likely benign. Review status: criteria provided, multiple submitters, no conflicts (2 of 4 stars). 6 submissions from 6 submitters: Benign (4); Likely benign (2). Last evaluated 2026-01-26.

Conditions:
Nemaline myopathy 2 (NEM2). Also called: Nemaline myopathy 2, autosomal recessive. Identifiers: MedGen C1850569, MONDO:0009725, OMIM 256030.

Allele frequency attached by ClinVar (database versions not stated): gnomAD 0.00001 and 0.00029; TOPMed 0.00010; gnomAD exomes 0.00067 and 0.00130; 1000 Genomes Project 30x 0.00125; ExAC 0.00127; 1000 Genomes Project 0.00160.
gnomAD v4.1: 1,036 of 1,613,748 alleles (0.064%); highest among the groups gnomAD compares: South Asian, 1.1%; 15 homozygotes.

Submissions (6):

Labcorp Genetics (formerly Invitae), Labcorp
Classification: Benign for Nemaline myopathy 2. Last evaluated: 2026-01-26. Review status: criteria provided, single submitter. Criteria: Invitae Variant Classification Sherloc (09022015). Collection method: clinical testing. Allele origin: germline.

Blueprint Genetics
Classification: Likely benign. Last evaluated: 2024-09-24. Review status: criteria provided, single submitter. Criteria: ACMG Guidelines, 2015. Collection method: clinical testing. Allele origin: germline.

Women's Health and Genetics/Laboratory Corporation of America, LabCorp
Classification: Benign. Last evaluated: 2022-06-28. Review status: criteria provided, single submitter. Criteria: LabCorp Variant Classification Summary - May 2015. Collection method: clinical testing. Allele origin: germline.
Comment: Variant summary: NEB c.20089G>A (p.Gly6697Arg) results in a non-conservative amino acid change in the encoded protein sequence. Three of five in-silico tools predict a damaging effect of the variant on protein function. The variant allele was found at a frequency of 0.0013 in 248970 control chromosomes (gnomAD), predominantly at a frequency of 0.01 within the South Asian subpopulation in the gnomAD database, including 3 homozygotes. The observed variant frequency within South Asian control individuals in the gnomAD database is approximately 3 fold of the estimated maximal expected allele frequency for a pathogenic variant in NEB causing Nemaline Myopathy 2 (0.0035), strongly suggesting that the variant is a benign polymorphism found primarily in populations of South Asian origin. c.20089G>A has been reported in the literature in at least one individual affected with Myopathy, however this individual was also homozygous for a pathogenic variant in GNE (c.1760T>C [p.Ile587Thr], ClinVar:188882) that was determined to be cause of their phenotype (Chakravorty_2020), providing supporting evidence for a benign role. To our knowledge, no experimental evidence demonstrating an impact on protein function has been reported. Four ClinVar submitters have assessed the variant since 2014: one classified the variant as likely benign, and three as benign. Based on the evidence outlined above, the variant was classified as benign.

GeneDx
Classification: Benign. Last evaluated: 2019-10-14. Review status: criteria provided, single submitter. Criteria: GeneDx Variant Classification Process June 2021. Collection method: clinical testing. Allele origin: germline. Affected: yes.
Comment: This variant is associated with the following publications: (PMID: 24651015, 33250842)

Illumina Laboratory Services, Illumina
Classification: Likely benign for Nemaline myopathy 2. Last evaluated: 2018-01-13. Review status: criteria provided, single submitter. Criteria: ICSL Variant Classification Criteria 13 December 2019. Collection method: clinical testing. Allele origin: germline.
Comment: This variant was observed in the ICSL laboratory as part of a predisposition screen in an ostensibly healthy population. It had not been previously curated by ICSL or reported in the Human Gene Mutation Database (HGMD: prior to June 1st, 2018), and was therefore a candidate for classification through an automated scoring system. Utilizing variant allele frequency, disease prevalence and penetrance estimates, and inheritance mode, an automated score was calculated to assess if this variant is too frequent to cause the disease. Based on the score and internal cut-off values, a variant classified as likely benign is not then subjected to further curation. The score for this variant resulted in a classification of likely benign for this disease.

Genetic Services Laboratory, University of Chicago
Classification: Benign. Last evaluated: 2017-09-13. Review status: criteria provided, single submitter. Criteria: ACMG Guidelines, 2015. Collection method: clinical testing. Allele origin: germline. Affected: no.

Literature cited by the submitters: PubMed 33250842 (cited by Women's Health and Genetics/Laboratory Corporation of America, LabCorp).

NM_001164508.2(NEB):c.20089G>A (p.Gly6697Arg)

Gene: NEB (nebulin; minus strand). Cytogenetic location: 2q23.3.
Variant type: single nucleotide variant.
Coding change: c.20089G>A on transcript NM_001164508.2 (MANE Select); coding-DNA position 20089, G replaced by A.
Protein change: p.Gly6697Arg; replaces glycine 6697 with arginine.
Molecular consequence: missense variant.
Genome position (GRCh38, 1-based): chr2:151,548,376, C>T on the plus strand (G>A on the coding strand, the complement: NEB is on the minus strand). VCF-style: chr2-151548376-C-T. GRCh37 (hg19) VCF-style: chr2-152404890-C-T.
Other names: c.20089G>A, p.Gly6697Arg (NM_001164507.2, NM_001271208.2); c.14986G>A, p.Gly4996Arg (NM_004543.5); short protein forms G6697R, G4996R.
Identifiers: ClinVar variation 516944 (VCV000516944.21), dbSNP rs201071685, ClinGen allele CA1907441.